The following is an entry in ClinVar:

NM_000341.4(SLC3A1):c.1366C>T (p.Arg456Cys)

Gene: SLC3A1 (solute carrier family 3 member 1; plus strand). Cytogenetic location: 2p21.
Variant type: single nucleotide variant.
Coding change: c.1366C>T on transcript NM_000341.4 (MANE Select); coding-DNA position 1366, C replaced by T.
Protein change: p.Arg456Cys; replaces arginine 456 with cysteine.
Molecular consequence: missense variant.
Genome position (GRCh38, 1-based): chr2:44,312,619, C>T. VCF-style: chr2-44312619-C-T. GRCh37 (hg19) VCF-style: chr2-44539758-C-T.
Other names: short protein forms R456C.
Identifiers: ClinVar variation 3586670 (VCV003586670.2).
Genomic context (GRCh38, chr2:44,312,619, plus strand): 5'-GTGTTCTTAAAAATATCTGCCTTTCAGATTGGTGGACCAGACAGTTCACGGCTGACTTCG[C>T]GTTTGGGGAATCAGTATGTCAACGTGATGAACATGCTTCTTTTCACACTCCCTGGAACTC-3'
Protein context (NP_000332.2, residues 446-466): GGPDSSRLTS[Arg456Cys]LGNQYVNVMN

ClinVar aggregate classification (germline): Pathogenic/Likely pathogenic. Review status: criteria provided, multiple submitters, no conflicts (2 of 4 stars). 2 submissions from 2 submitters: Pathogenic (1); Likely pathogenic (1). Last evaluated 2024-03-08.

Conditions:
Cystinuria (CSNU). Also called: Cystinuria, non-type I; CYSTINURIA, TYPE I; CYSTINURIA, TYPE II; CYSTINURIA, TYPE III. Identifiers: Orphanet 214, MedGen C0010691, MONDO:0009067, OMIM 220100, HP:0003131.

gnomAD v4.1: 18 of 1,613,904 alleles (0.0011%); highest among the groups gnomAD compares: East Asian, 0.0022%; no homozygotes.

Submissions (2):

Fulgent Genetics
Classification: Likely pathogenic for Cystinuria. Last evaluated: 2024-03-08. Review status: criteria provided, single submitter. Criteria: ACMG Guidelines, 2015. Collection method: clinical testing. Allele origin: germline.

Labcorp Genetics (formerly Invitae), Labcorp
Classification: Pathogenic for Cystinuria. Last evaluated: 2023-11-20. Review status: criteria provided, single submitter. Criteria: Invitae Variant Classification Sherloc (09022015). Collection method: clinical testing. Allele origin: germline.
Comment: This sequence change replaces arginine, which is basic and polar, with cysteine, which is neutral and slightly polar, at codon 456 of the SLC3A1 protein (p.Arg456Cys). This variant is present in population databases (rs139251285, gnomAD 0.006%). This missense change has been observed in individual(s) with cystinuria (PMID: 15635077, 23532419, 116225397; Invitae). In at least one individual the data is consistent with being in trans (on the opposite chromosome) from a pathogenic variant. Advanced modeling of protein sequence and biophysical properties (such as structural, functional, and spatial information, amino acid conservation, physicochemical variation, residue mobility, and thermodynamic stability) has been performed at Invitae for this missense variant, however the output from this modeling did not meet the statistical confidence thresholds required to predict the impact of this variant on SLC3A1 protein function. This variant disrupts the p.Arg456 amino acid residue in SLC3A1. Other variant(s) that disrupt this residue have been determined to be pathogenic (Invitae). This suggests that this residue is clinically significant, and that variants that disrupt this residue are likely to be disease-causing. For these reasons, this variant has been classified as Pathogenic.

Literature cited by the submitters: PubMed 15635077 (cited by Labcorp Genetics (formerly Invitae), Labcorp); PubMed 23532419 (cited by Labcorp Genetics (formerly Invitae), Labcorp); PubMed 116225397 (cited by Labcorp Genetics (formerly Invitae), Labcorp).